The following is an entry in ClinVar:

ClinVar aggregate classification (germline): Benign/Likely benign. Review status: criteria provided, multiple submitters, no conflicts (2 of 4 stars). 2 submissions from 2 submitters: Benign (1); Likely benign (1). Last evaluated 2026-01-27.

Allele frequency attached by ClinVar (database versions not stated): gnomAD exomes 0.00061 and 0.00180; ExAC 0.00205; ESP Exome Variant Server 0.00683; gnomAD 0.00723 and 0.00778; 1000 Genomes Project 0.00739; 1000 Genomes Project 30x 0.00765; TOPMed 0.00784.
gnomAD v4.1: 2,077 of 1,602,400 alleles (0.13%); highest among the groups gnomAD compares: African/African-American, 2.4%; 26 homozygotes.

Submissions (2):

Labcorp Genetics (formerly Invitae), Labcorp
Classification: Benign. Last evaluated: 2026-01-27. Review status: criteria provided, single submitter. Criteria: Invitae Variant Classification Sherloc (09022015). Collection method: clinical testing. Allele origin: germline.

GeneDx
Classification: Likely benign. Last evaluated: 2017-02-02. Review status: criteria provided, single submitter. Criteria: GeneDx Variant Classification (06012015). Collection method: clinical testing. Allele origin: germline. Affected: yes.
Comment: This variant is considered likely benign or benign based on one or more of the following criteria: it is a conservative change, it occurs at a poorly conserved position in the protein, it is predicted to be benign by multiple in silico algorithms, and/or has population frequency not consistent with disease.

NM_173630.4(RTTN):c.841+11T>C

Gene: RTTN (rotatin; minus strand). Cytogenetic location: 18q22.2.
Variant type: single nucleotide variant.
Coding change: c.841+11T>C on transcript NM_173630.4 (MANE Select); 11 bases into the intron after coding-DNA position 841, T replaced by C.
Molecular consequence: intron variant.
Genome position (GRCh38, 1-based): chr18:70,196,490, A>G on the plus strand (T>C on the coding strand, the complement: RTTN is on the minus strand). VCF-style: chr18-70196490-A-G. GRCh37 (hg19) VCF-style: chr18-67863726-A-G.
Other names: c.-1713+11T>C (NM_001318520.2).
Identifiers: ClinVar variation 386677 (VCV000386677.9), dbSNP rs114480216, ClinGen allele CA8996348.
Genomic context (GRCh38, chr18:70,196,490, plus strand): 5'-ACTATAATGGAAGGTTCCCAGAAGAATCTACAAATAACACCAGTGGCTAATGAACAGATA[A>G]AAATAAATACCGTGTTTATTGGAGAAAAAACCTGGATCTCGGTGAAAGTTAAGTCTGTTT-3'